The following is an entry in ClinVar:

NM_016343.4(CENPF):c.7957C>T (p.Leu2653=)

Gene: CENPF (centromere protein F; plus strand). Cytogenetic location: 1q41.
Variant type: single nucleotide variant.
Coding change: c.7957C>T on transcript NM_016343.4 (MANE Select); coding-DNA position 7957, C replaced by T.
Protein change: p.Leu2653=; no amino-acid change (leucine 2653 retained).
Molecular consequence: synonymous variant.
Genome position (GRCh38, 1-based): chr1:214,648,801, C>T. VCF-style: chr1-214648801-C-T. GRCh37 (hg19) VCF-style: chr1-214822144-C-T.
Identifiers: ClinVar variation 4872589 (VCV004872589.2).

ClinVar aggregate classification (germline): Likely benign (1 of 4 stars; one submission).

gnomAD v4.1: 361 of 1,613,552 alleles (0.022%); highest among the groups gnomAD compares: Non-Finnish European, 0.029%; no homozygotes.

Submission:

CeGaT Center for Human Genetics Tuebingen
Classification: Likely benign. Last evaluated: 2026-04-01. Review status: criteria provided, single submitter. Criteria: CeGaT Center For Human Genetics Tuebingen Variant Classification Criteria Version 2. Collection method: clinical testing. Allele origin: germline. Affected: yes. Observed: 1 variant allele.
Comment: CENPF: BP4, BP7